The following is an entry in ClinVar:

NM_198578.4(LRRK2):c.3188T>C (p.Leu1063Pro)

Gene: LRRK2 (leucine rich repeat kinase 2; plus strand). Cytogenetic location: 12q12.
Variant type: single nucleotide variant.
Coding change: c.3188T>C on transcript NM_198578.4 (MANE Select); coding-DNA position 3188, T replaced by C.
Protein change: p.Leu1063Pro; replaces leucine 1063 with proline.
Molecular consequence: missense variant.
Genome position (GRCh38, 1-based): chr12:40,298,334, T>C. VCF-style: chr12-40298334-T-C. GRCh37 (hg19) VCF-style: chr12-40692136-T-C.
Other names: short protein forms L1063P.
Identifiers: ClinVar variation 1728608 (VCV001728608.2), dbSNP rs1346670917, ClinGen allele CA384414451.

ClinVar aggregate classification (germline): Uncertain significance (1 of 4 stars; one submission).

Conditions:
Inborn genetic diseases. Identifiers: MedGen C0950123, MeSH D030342.

Allele frequency attached by ClinVar (database versions not stated): gnomAD exomes below 0.00001.
gnomAD v4.1: 1 of 1,613,986 alleles (0.000062%); highest among the groups gnomAD compares: East Asian, 0.0022%; no homozygotes.

Submission:

Ambry Genetics
Classification: Uncertain significance for Inborn genetic diseases. Last evaluated: 2022-10-28. Review status: criteria provided, single submitter. Criteria: Ambry Variant Classification Scheme 2023. Collection method: clinical testing. Allele origin: germline.
Comment: The p.L1063P variant (also known as c.3188T>C), located in coding exon 24 of the LRRK2 gene, results from a T to C substitution at nucleotide position 3188. The leucine at codon 1063 is replaced by proline, an amino acid with similar properties. This amino acid position is conserved. In addition, this alteration is predicted to be deleterious by in silico analysis. Since supporting evidence is limited at this time, the clinical significance of this alteration remains unclear.